The following is an entry in ClinVar:

NM_000245.4(MET):c.3148A>G (p.Thr1050Ala)

Gene: MET (MET proto-oncogene, receptor tyrosine kinase; plus strand). Cytogenetic location: 7q31.2.
Variant type: single nucleotide variant.
Coding change: c.3148A>G on transcript NM_000245.4 (MANE Select); coding-DNA position 3148, A replaced by G.
Protein change: p.Thr1050Ala; replaces threonine 1050 with alanine.
Molecular consequence: missense variant.
Genome position (GRCh38, 1-based): chr7:116,775,000, A>G. VCF-style: chr7-116775000-A-G. GRCh37 (hg19) VCF-style: chr7-116415054-A-G.
Other names: c.3202A>G, p.Thr1068Ala (NM_001127500.3); c.1858A>G, p.Thr620Ala (NM_001324402.2); short protein forms T1050A, T1068A, T620A.
Identifiers: ClinVar variation 1355960 (VCV001355960.11), dbSNP rs1794950502, ClinGen allele CA368988349.

ClinVar aggregate classification (germline): Conflicting classifications of pathogenicity. Review status: criteria provided, conflicting classifications (1 of 4 stars). 2 submissions from 2 submitters: Uncertain significance (1); Likely benign (1). Last evaluated 2026-09-04.

Conditions:
Renal cell carcinoma. Identifiers: Orphanet 217071, MedGen C0007134, MeSH D002292, MONDO:0005086, HP:0005584.
Hereditary cancer-predisposing syndrome. Also called: Hereditary Cancer Syndrome; Neoplastic Syndromes, Hereditary; Hereditary neoplastic syndrome; Tumor predisposition. Identifiers: Orphanet 140162, MedGen C0027672, MeSH D009386, MONDO:0015356.

Allele frequency attached by ClinVar (database versions not stated): TOPMed below 0.00001.

Submissions (2):

Ambry Genetics
Classification: Likely benign for Hereditary cancer-predisposing syndrome. Last evaluated: 2026-09-04. Review status: criteria provided, single submitter. Criteria: Ambry Variant Classification Scheme 2023. Collection method: clinical testing. Allele origin: germline.

Labcorp Genetics (formerly Invitae), Labcorp
Classification: Uncertain significance for Renal cell carcinoma. Last evaluated: 2021-05-21. Review status: criteria provided, single submitter. Criteria: Invitae Variant Classification Sherloc (09022015). Collection method: clinical testing. Allele origin: germline.
Comment: In summary, the available evidence is currently insufficient to determine the role of this variant in disease. Therefore, it has been classified as a Variant of Uncertain Significance. Algorithms developed to predict the effect of missense changes on protein structure and function output the following: SIFT: "Tolerated"; PolyPhen-2: "Benign"; Align-GVGD: "Class C0". The alanine amino acid residue is found in multiple mammalian species, suggesting that this missense change does not adversely affect protein function. These predictions have not been confirmed by published functional studies and their clinical significance is uncertain. This variant has not been reported in the literature in individuals with MET-related conditions. This variant is not present in population databases (ExAC no frequency). This sequence change replaces threonine with alanine at codon 1068 of the MET protein (p.Thr1068Ala). The threonine residue is moderately conserved and there is a small physicochemical difference between threonine and alanine.